The following is an entry in ClinVar:

NM_001291303.3(FAT4):c.10594C>T (p.Leu3532Phe)

Gene: FAT4 (FAT atypical cadherin 4; plus strand). Cytogenetic location: 4q28.1.
Variant type: single nucleotide variant.
Coding change: c.10594C>T on transcript NM_001291303.3 (MANE Select); coding-DNA position 10594, C replaced by T.
Protein change: p.Leu3532Phe; replaces leucine 3532 with phenylalanine.
Molecular consequence: missense variant.
Genome position (GRCh38, 1-based): chr4:125,451,604, C>T. VCF-style: chr4-125451604-C-T. GRCh37 (hg19) VCF-style: chr4-126372759-C-T.
Other names: c.10594C>T, p.Leu3532Phe (NM_001291285.3); c.10588C>T, p.Leu3530Phe (NM_024582.6); short protein forms L3530F, L3532F.
Identifiers: ClinVar variation 1927895 (VCV001927895.5), dbSNP rs1726076628, ClinGen allele CA358159070.

ClinVar aggregate classification (germline): Uncertain significance (1 of 4 stars; one submission).

Submission:

Labcorp Genetics (formerly Invitae), Labcorp
Classification: Uncertain significance. Last evaluated: 2024-11-04. Review status: criteria provided, single submitter. Criteria: Invitae Variant Classification Sherloc (09022015). Collection method: clinical testing. Allele origin: germline.
Comment: This sequence change replaces leucine, which is neutral and non-polar, with phenylalanine, which is neutral and non-polar, at codon 3530 of the FAT4 protein (p.Leu3530Phe). This variant is not present in population databases (gnomAD no frequency). This variant has not been reported in the literature in individuals affected with FAT4-related conditions. ClinVar contains an entry for this variant (Variation ID: 1927895). Invitae Evidence Modeling of protein sequence and biophysical properties (such as structural, functional, and spatial information, amino acid conservation, physicochemical variation, residue mobility, and thermodynamic stability) indicates that this missense variant is not expected to disrupt FAT4 protein function with a negative predictive value of 80%. In summary, the available evidence is currently insufficient to determine the role of this variant in disease. Therefore, it has been classified as a Variant of Uncertain Significance.